The following is an entry in ClinVar:

ClinVar aggregate classification (germline): Uncertain significance (1 of 4 stars; one submission).

Conditions:
Arrhythmogenic right ventricular dysplasia 5. Also called: Arrhythmogenic Right Ventricular Dysplasia/Cardiomyopathy 5; ARRHYTHMOGENIC RIGHT VENTRICULAR DYSPLASIA, FAMILIAL, 5. Identifiers: MedGen C1858379, MONDO:0011459, OMIM 604400.

Submission:

Labcorp Genetics (formerly Invitae), Labcorp
Classification: Uncertain significance for Arrhythmogenic right ventricular dysplasia 5. Last evaluated: 2023-02-03. Review status: criteria provided, single submitter. Criteria: Invitae Variant Classification Sherloc (09022015). Collection method: clinical testing. Allele origin: germline.
Comment: In summary, the available evidence is currently insufficient to determine the role of this variant in disease. Therefore, it has been classified as a Variant of Uncertain Significance. Algorithms developed to predict the effect of missense changes on protein structure and function are either unavailable or do not agree on the potential impact of this missense change (SIFT: "Deleterious"; PolyPhen-2: "Benign"; Align-GVGD: "Class C0"). This variant has not been reported in the literature in individuals affected with TMEM43-related conditions. This variant is not present in population databases (gnomAD no frequency). This sequence change replaces serine, which is neutral and polar, with glycine, which is neutral and non-polar, at codon 171 of the TMEM43 protein (p.Ser171Gly).

NM_024334.3(TMEM43):c.511A>G (p.Ser171Gly)

Gene: TMEM43 (transmembrane protein 43; plus strand). Cytogenetic location: 3p25.1.
Variant type: single nucleotide variant.
Coding change: c.511A>G on transcript NM_024334.3 (MANE Select); coding-DNA position 511, A replaced by G.
Protein change: p.Ser171Gly; replaces serine 171 with glycine.
Molecular consequence: missense variant.
Genome position (GRCh38, 1-based): chr3:14,132,934, A>G. VCF-style: chr3-14132934-A-G. GRCh37 (hg19) VCF-style: chr3-14174434-A-G.
Other names: c.496A>G, p.Ser166Gly (NM_001407278.1); c.514A>G, p.Ser172Gly (NM_001407274.1); c.511A>G, p.Ser171Gly (NM_001407275.1, NM_001407276.1, NM_001407277.1 and 1 more transcripts); c.361A>G, p.Ser121Gly (NM_001407280.1); short protein forms S171G, S166G, S172G, S121G.
Identifiers: ClinVar variation 2781482 (VCV002781482.3), dbSNP rs2124989219, ClinGen allele CA351535249.